The following is an entry in ClinVar:

NM_001001344.3(ATP2B3):c.3342+4563T>C

Gene: ATP2B3 (ATPase plasma membrane Ca2+ transporting 3; plus strand). Cytogenetic location: Xq28.
Variant type: single nucleotide variant.
Coding change: c.3342+4563T>C on transcript NM_001001344.3 (MANE Select); 4563 bases into the intron after coding-DNA position 3342, T replaced by C.
Molecular consequence: intron variant. On other transcripts: missense variant (2).
Genome position (GRCh38, 1-based): chrX:153,569,666, T>C. VCF-style: chrX-153569666-T-C. GRCh37 (hg19) VCF-style: chrX-152835124-T-C.
Other names: c.3406T>C, p.Ser1136Pro (NM_001388360.1, NM_021949.4); c.3342+4563T>C (NM_001388361.1); short protein forms S1136P.
Identifiers: ClinVar variation 386815 (VCV000386815.2), dbSNP rs1057522608, ClinGen allele CA16608725.
Genomic context (GRCh38, chrX:153,569,666, plus strand): 5'-GAGGTAGTGAGTACCTTCAAGAGAAGCGGTTCAGTTCAGGGTGCTGTGCGCCGGCGGTCT[T>C]CGGTCCTCAGCCAGCTTCATGACGTAACCAATCTTTCTACCCCTACTCACGCAATTCTCT-3'

ClinVar aggregate classification (germline): Uncertain significance (1 of 4 stars; one submission).

Submission:

GeneDx
Classification: Uncertain significance. Last evaluated: 2016-06-04. Review status: criteria provided, single submitter. Criteria: GeneDx Variant Classification (06012015). Collection method: clinical testing. Allele origin: germline. Affected: yes.
Comment: The S1136P variant in the ATP2B3 gene has not been reported previously as a pathogenic variant, nor as a benign variant, to our knowledge. The S1136P variant was not observed in approximately 6500 individuals of European and African American ancestry in the NHLBI Exome Sequencing Project, indicating it is not a common benign variant in these populations. The S1136P variant is a non-conservative amino acid substitution, which is likely to impact secondary protein structure as these residues differ in polarity, charge, size and/or other properties. This substitution occurs at a position that is conserved across species, however, in silico analysis is inconsistent in its predictions as to whether or not the variant is damaging to the protein structure/function. Therefore, we interpret S1136P as a variant of uncertain significance.